The following is an entry in ClinVar:

ClinVar aggregate classification (germline): Likely pathogenic (1 of 4 stars; one submission).

Conditions:
Dilated cardiomyopathy 1G (CMD1G). Identifiers: Orphanet 154, MedGen C1858763, MONDO:0011400, OMIM 604145.
Autosomal recessive limb-girdle muscular dystrophy type 2J (LGMDR10). Also called: Limb-girdle muscular dystrophy, type 2J; MUSCULAR DYSTROPHY, LIMB-GIRDLE, AUTOSOMAL RECESSIVE 10. Identifiers: Orphanet 140922, MedGen C1837342, MONDO:0012127, OMIM 608807.

Submission:

Labcorp Genetics (formerly Invitae), Labcorp
Classification: Likely pathogenic for Dilated cardiomyopathy 1G; Autosomal recessive limb-girdle muscular dystrophy type 2J. Last evaluated: 2024-03-15. Review status: criteria provided, single submitter. Criteria: Invitae Variant Classification Sherloc (09022015). Collection method: clinical testing. Allele origin: germline.
Comment: This sequence change creates a premature translational stop signal (p.Gly28936*) in the TTN gene. While this is not anticipated to result in nonsense mediated decay, it is expected to create a truncated TTN protein. This variant is not present in population databases (gnomAD no frequency). This premature translational stop signal has been observed in individual(s) with dilated cardiomyopathy (PMID: 31514951). This variant is located in the A band of TTN (PMID: 25589632). Truncating variants in this region are significantly overrepresented in patients affected with dilated cardiomyopathy (PMID: 25589632). Truncating variants in this region have also been reported in individuals affected with autosomal recessive centronuclear myopathy (PMID: 23975875). In summary, the currently available evidence indicates that the variant is pathogenic, but additional data are needed to prove that conclusively. Therefore, this variant has been classified as Likely Pathogenic.

Literature cited by the submitters: PubMed 31514951; PubMed 25589632; PubMed 23975875.

NM_001267550.2(TTN):c.86805_86808del (p.Glu28935_Gly28936insTer)

Genes: TTN (titin; minus strand), TTN-AS1 (TTN antisense RNA 1; plus strand). Cytogenetic location: 2q31.2.
Variant type: Microsatellite.
Coding change: c.86805_86808del on transcript NM_001267550.2 (MANE Select); coding-DNA positions 86805 to 86808, 4 bases deleted (AGGA; older notation c.86805_86808delAGGA).
Protein change: p.Glu28935_Gly28936insTer.
Molecular consequence: frameshift variant.
Genome position (GRCh38, 1-based): chr2:178,559,324-178,559,327, TCCT deleted on the plus strand (AGGA on the coding strand, the reverse complement: TTN is on the minus strand); deleting any 4 consecutive bases within chr2:178,559,324-178,559,332 gives the same sequence; the c. name uses the placement nearest the transcript's 3' end. VCF-style (leftmost placement, unchanged base first): chr2-178559323-CTCCT-C. GRCh37 (hg19) VCF-style: chr2-179424050-CTCCT-C.
Other names: c.81882_81885del, p.Glu27294_Gly27295insTer (NM_001256850.1); c.59610_59613del, p.Glu19870_Gly19871insTer (NM_003319.4); c.79101_79104del, p.Glu26367_Gly26368insTer (NM_133378.4); c.59985_59988del, p.Glu19995_Gly19996insTer (NM_133432.3); c.60186_60189del, p.Glu20062_Gly20063insTer (NM_133437.4).
Identifiers: ClinVar variation 3755136 (VCV003755136.2).
Genomic context (GRCh38, chr2:178,559,323, plus strand): 5'-AGCAAAATTAACGTGGATATGTAGAATTTCCTTATTCTTAAAACATACCTGTTATTTTTA[CTCCT>C]TCCTTTGTTTCAGCTGGTATACCAACACCAAACTCATTTTCTCCAGAGACTCTGAAGTAA-3'